The following is an entry in ClinVar:

ClinVar aggregate classification (germline): Uncertain significance (1 of 4 stars; one submission).

Allele frequency attached by ClinVar (database versions not stated): gnomAD exomes below 0.00001; ExAC 0.00001; TOPMed 0.00001.

Submission:

Labcorp Genetics (formerly Invitae), Labcorp
Classification: Uncertain significance. Last evaluated: 2021-03-26. Review status: criteria provided, single submitter. Criteria: Invitae Variant Classification Sherloc (09022015). Collection method: clinical testing. Allele origin: germline.
Comment: In summary, the available evidence is currently insufficient to determine the role of this variant in disease. Therefore, it has been classified as a Variant of Uncertain Significance. Algorithms developed to predict the effect of sequence changes on RNA splicing suggest that this variant may create or strengthen a splice site, but this prediction has not been confirmed by published transcriptional studies. Algorithms developed to predict the effect of missense changes on protein structure and function output the following: SIFT: "Tolerated"; PolyPhen-2: "Not Available"; Align-GVGD: "Class C0". The valine amino acid residue is found in multiple mammalian species, suggesting that this missense change does not adversely affect protein function. These predictions have not been confirmed by published functional studies and their clinical significance is uncertain. This variant has not been reported in the literature in individuals with TOPORS-related conditions. This variant is present in population databases (rs748984019, ExAC 0.001%). This sequence change replaces alanine with valine at codon 820 of the TOPORS protein (p.Ala820Val). The alanine residue is weakly conserved and there is a small physicochemical difference between alanine and valine.

NM_005802.5(TOPORS):c.2459C>T (p.Ala820Val)

Gene: TOPORS (TOP1 binding arginine/serine rich protein, E3 ubiquitin ligase; minus strand). Cytogenetic location: 9p21.1.
Variant type: single nucleotide variant.
Coding change: c.2459C>T on transcript NM_005802.5 (MANE Select); coding-DNA position 2459, C replaced by T.
Protein change: p.Ala820Val; replaces alanine 820 with valine.
Molecular consequence: missense variant.
Genome position (GRCh38, 1-based): chr9:32,542,066, G>A on the plus strand (C>T on the coding strand, the complement: TOPORS is on the minus strand). VCF-style: chr9-32542066-G-A. GRCh37 (hg19) VCF-style: chr9-32542064-G-A.
Other names: c.2264C>T, p.Ala755Val (NM_001195622.2); short protein forms A820V, A755V.
Identifiers: ClinVar variation 837272 (VCV000837272.9), dbSNP rs748984019, ClinGen allele CA5020364.